The following is an entry in ClinVar:

ClinVar aggregate classification (germline): Uncertain significance. Review status: criteria provided, multiple submitters, no conflicts (2 of 4 stars). 2 submissions from 2 submitters: Uncertain significance (2). Last evaluated 2025-08-30.

Conditions:
Hereditary cancer-predisposing syndrome. Also called: Neoplastic Syndromes, Hereditary; Hereditary Cancer Syndrome; Hereditary neoplastic syndrome; Tumor predisposition. Identifiers: Orphanet 140162, MedGen C0027672, MeSH D009386, MONDO:0015356.
DICER1-related tumor predisposition. Also called: DICER1-related pleuropulmonary blastoma cancer predisposition syndrome; DICER1 syndrome. Identifiers: Orphanet 284343, MedGen C3839822, MONDO:0100216.

gnomAD v4.1: 2 of 1,614,204 alleles (0.00012%); highest among the groups gnomAD compares: Non-Finnish European, 0.00017%; no homozygotes.

Submissions (2):

Labcorp Genetics (formerly Invitae), Labcorp
Classification: Uncertain significance for DICER1-related tumor predisposition. Last evaluated: 2025-08-30. Review status: criteria provided, single submitter. Criteria: Invitae Variant Classification Sherloc (09022015). Collection method: clinical testing. Allele origin: germline.
Comment: This sequence change replaces threonine, which is neutral and polar, with serine, which is neutral and polar, at codon 1334 of the DICER1 protein (p.Thr1334Ser). This variant is not present in population databases (gnomAD no frequency). This variant has not been reported in the literature in individuals affected with DICER1-related conditions. ClinVar contains an entry for this variant (Variation ID: 824492). Invitae Evidence Modeling of protein sequence and biophysical properties (such as structural, functional, and spatial information, amino acid conservation, physicochemical variation, residue mobility, and thermodynamic stability) indicates that this missense variant is not expected to disrupt DICER1 protein function with a negative predictive value of 95%. In summary, the available evidence is currently insufficient to determine the role of this variant in disease. Therefore, it has been classified as a Variant of Uncertain Significance.

Ambry Genetics
Classification: Uncertain significance for Hereditary cancer-predisposing syndrome. Last evaluated: 2024-08-08. Review status: criteria provided, single submitter. Criteria: Ambry Variant Classification Scheme 2023. Collection method: clinical testing. Allele origin: germline.
Comment: The p.T1334S variant (also known as c.4001C>G), located in coding exon 20 of the DICER1 gene, results from a C to G substitution at nucleotide position 4001. The threonine at codon 1334 is replaced by serine, an amino acid with similar properties. This amino acid position is highly conserved in available vertebrate species. In addition, the in silico prediction for this alteration is inconclusive. Based on the available evidence, the clinical significance of this variant remains unclear.

NM_177438.3(DICER1):c.4001C>G (p.Thr1334Ser)

Gene: DICER1 (dicer 1, ribonuclease III; minus strand). Cytogenetic location: 14q32.13.
Variant type: single nucleotide variant.
Coding change: c.4001C>G on transcript NM_177438.3 (MANE Select); coding-DNA position 4001, C replaced by G.
Protein change: p.Thr1334Ser; replaces threonine 1334 with serine.
Molecular consequence: missense variant.
Genome position (GRCh38, 1-based): chr14:95,103,395, G>C on the plus strand (C>G on the coding strand, the complement: DICER1 is on the minus strand). VCF-style: chr14-95103395-G-C. GRCh37 (hg19) VCF-style: chr14-95569732-G-C.
Other names: c.4001C>G, p.Thr1334Ser (NM_001195573.1, NM_001271282.3, NM_001291628.2 and 1 more transcripts); short protein forms T1334S.
Identifiers: ClinVar variation 824492 (VCV000824492.10), dbSNP rs1555369296, ClinGen allele CA390872983.